The following is an entry in ClinVar:

NM_014712.3(SETD1A):c.1133G>A (p.Arg378His)

Gene: SETD1A (SET domain containing 1A, histone lysine methyltransferase; plus strand). Cytogenetic location: 16p11.2.
Variant type: single nucleotide variant.
Coding change: c.1133G>A on transcript NM_014712.3 (MANE Select); coding-DNA position 1133, G replaced by A.
Protein change: p.Arg378His; replaces arginine 378 with histidine.
Molecular consequence: missense variant.
Genome position (GRCh38, 1-based): chr16:30,964,875, G>A. VCF-style: chr16-30964875-G-A. GRCh37 (hg19) VCF-style: chr16-30976196-G-A.
Other names: short protein forms R378H.
Identifiers: ClinVar variation 2646427 (VCV002646427.24), dbSNP rs1183698664, ClinGen allele CA395652458.
Genomic context (GRCh38, chr16:30,964,875, plus strand): 5'-AGTTTCGTAGTTCTGATGCAAACTACCCAGCGTATTATGAAAGCTGGAATCGCTACCAGC[G>A]CCATACTTCCTACCCACCACGCCGGGCCACACGGGAGGAACCCCCTGGAGCCCCTTTTGC-3'
Protein context (NP_055527.1, residues 368-388): AYYESWNRYQ[Arg378His]HTSYPPRRAT

ClinVar aggregate classification (germline): Uncertain significance (1 of 4 stars; one submission).

Allele frequency attached by ClinVar (database versions not stated): gnomAD 0.00001; gnomAD exomes below 0.00001.
gnomAD v4.1: 4 of 1,614,022 alleles (0.00025%); highest among the groups gnomAD compares: African/African-American, 0.0013%; no homozygotes.

Submission:

CeGaT Center for Human Genetics Tuebingen
Classification: Uncertain significance. Last evaluated: 2023-08-01. Review status: criteria provided, single submitter. Criteria: CeGaT Center For Human Genetics Tuebingen Variant Classification Criteria Version 2. Collection method: clinical testing. Allele origin: germline. Affected: yes. Observed: 1 variant allele.
Comment: SETD1A: PM2:Supporting